The following is an entry in ClinVar:

ClinVar aggregate classification (germline): Uncertain significance (1 of 4 stars; one submission).

Conditions:
Holoprosencephaly 9 (HPE9). Also called: PITUITARY ANOMALIES WITH HOLOPROSENCEPHALY-LIKE FEATURES; HOLOPROSENCEPHALY WITH MICROPHTHALMIA AND FIRST BRANCHIAL ARCH ANOMALIES. Identifiers: Orphanet 2162, MedGen C1835819, MONDO:0012563, OMIM 610829.
Postaxial polydactyly-anterior pituitary anomalies-facial dysmorphism syndrome. Also called: Culler-Jones syndrome. Identifiers: Orphanet 420584, MedGen C4014479, MONDO:0014369, OMIM 615849.

Allele frequency attached by ClinVar (database versions not stated): ExAC 0.00007; gnomAD 0.00007 and 0.00009; gnomAD exomes 0.00008; TOPMed 0.00011; 1000 Genomes Project 30x 0.00016; 1000 Genomes Project 0.00020.

Submission:

Labcorp Genetics (formerly Invitae), Labcorp
Classification: Uncertain significance for Postaxial polydactyly-anterior pituitary anomalies-facial dysmorphism syndrome; Holoprosencephaly 9. Last evaluated: 2024-09-06. Review status: criteria provided, single submitter. Criteria: Invitae Variant Classification Sherloc (09022015). Collection method: clinical testing. Allele origin: germline.
Comment: This sequence change replaces methionine, which is neutral and non-polar, with leucine, which is neutral and non-polar, at codon 180 of the GLI2 protein (p.Met180Leu). This variant is present in population databases (rs565813552, gnomAD 0.03%), and has an allele count higher than expected for a pathogenic variant. This missense change has been observed in individual(s) with clinical features of GLI2-related conditions (PMID: 3320637). ClinVar contains an entry for this variant (Variation ID: 1384529). Invitae Evidence Modeling of protein sequence and biophysical properties (such as structural, functional, and spatial information, amino acid conservation, physicochemical variation, residue mobility, and thermodynamic stability) has been performed for this missense variant. However, the output from this modeling did not meet the statistical confidence thresholds required to predict the impact of this variant on GLI2 protein function. In summary, the available evidence is currently insufficient to determine the role of this variant in disease. Therefore, it has been classified as a Variant of Uncertain Significance.

Literature cited by the submitters: PubMed 3320637.

NM_001374353.1(GLI2):c.538A>C (p.Met180Leu)

Gene: GLI2 (GLI family zinc finger 2; plus strand). Cytogenetic location: 2q14.2.
Variant type: single nucleotide variant.
Coding change: c.538A>C on transcript NM_001374353.1 (MANE Select); coding-DNA position 538, A replaced by C.
Protein change: p.Met180Leu; replaces methionine 180 with leucine.
Molecular consequence: missense variant.
Genome position (GRCh38, 1-based): chr2:120,955,325, A>C. VCF-style: chr2-120955325-A-C. GRCh37 (hg19) VCF-style: chr2-121712901-A-C.
Other names: c.538A>C, p.Met180Leu (NM_001371271.1, NM_005270.5); c.163A>C, p.Met55Leu (NM_001374354.1); short protein forms M180L, M55L.
Identifiers: ClinVar variation 1384529 (VCV001384529.8), dbSNP rs565813552, ClinGen allele CA1851563.